The following is an entry in ClinVar:

ClinVar aggregate classification (germline): Uncertain significance (1 of 4 stars; one submission).

Allele frequency attached by ClinVar (database versions not stated): ExAC 0.00001; gnomAD 0.00002; TOPMed 0.00003; gnomAD exomes 0.00005.
gnomAD v4.1: 81 of 1,614,048 alleles (0.005%); highest among the groups gnomAD compares: Non-Finnish European, 0.0068%; no homozygotes.

Submission:

Labcorp Genetics (formerly Invitae), Labcorp
Classification: Uncertain significance. Last evaluated: 2026-02-02. Review status: criteria provided, single submitter. Criteria: Invitae Variant Classification Sherloc (09022015). Collection method: clinical testing. Allele origin: germline.
Comment: This sequence change replaces arginine, which is basic and polar, with glycine, which is neutral and non-polar, at codon 1390 of the SORL1 protein (p.Arg1390Gly). This variant is present in population databases (rs535522154, gnomAD 0.006%). This variant has not been reported in the literature in individuals affected with SORL1-related conditions. ClinVar contains an entry for this variant (Variation ID: 1947651). An algorithm developed to predict the effect of missense changes on protein structure and function outputs the following: PolyPhen-2: "Benign". The glycine amino acid residue is found in multiple mammalian species, which suggests that this missense change does not adversely affect protein function. In summary, the available evidence is currently insufficient to determine the role of this variant in disease. Therefore, it has been classified as a Variant of Uncertain Significance.

NM_003105.6(SORL1):c.4168A>G (p.Arg1390Gly)

Gene: SORL1 (sortilin related receptor 1; plus strand). Cytogenetic location: 11q24.1.
Variant type: single nucleotide variant.
Coding change: c.4168A>G on transcript NM_003105.6 (MANE Select); coding-DNA position 4168, A replaced by G.
Protein change: p.Arg1390Gly; replaces arginine 1390 with glycine.
Molecular consequence: missense variant.
Genome position (GRCh38, 1-based): chr11:121,590,129, A>G. VCF-style: chr11-121590129-A-G. GRCh37 (hg19) VCF-style: chr11-121460838-A-G.
Other names: short protein forms R1390G.
Identifiers: ClinVar variation 1947651 (VCV001947651.5), dbSNP rs535522154, ClinGen allele CA6329513.